The following is an entry in ClinVar:

ClinVar aggregate classification (germline): Uncertain significance. Review status: criteria provided, multiple submitters, no conflicts (2 of 4 stars). 5 submissions from 4 submitters: Uncertain significance (5). Last evaluated 2025-05-30.

Conditions:
Cardiovascular phenotype. Identifiers: MedGen CN230736.
Hereditary cancer-predisposing syndrome. Also called: Hereditary neoplastic syndrome; Neoplastic Syndromes, Hereditary; Tumor predisposition; Hereditary Cancer Syndrome. Identifiers: Orphanet 140162, MedGen C0027672, MeSH D009386, MONDO:0015356.
Juvenile myelomonocytic leukemia (JMML). Also called: LEUKEMIA, JUVENILE MYELOMONOCYTIC, SOMATIC. Identifiers: Orphanet 86834, MedGen C0349639, MONDO:0011908, OMIM 607785, HP:0012209.
Neurofibromatosis, type 1 (NF1). Also called: VON RECKLINGHAUSEN DISEASE; Peripheral type neurofibromatosis; NEUROFIBROMATOSIS, TYPE I, SOMATIC; Neurofibromatosis, type I. Identifiers: Orphanet 636, MedGen C0027831, MONDO:0018975, OMIM 162200. Disease mechanism: loss of function.

Submissions (5):

Labcorp Genetics (formerly Invitae), Labcorp
Classification: Uncertain significance for Neurofibromatosis, type 1. Last evaluated: 2025-05-30. Review status: criteria provided, single submitter. Criteria: Invitae Variant Classification Sherloc (09022015). Collection method: clinical testing. Allele origin: germline.
Comment: This sequence change replaces asparagine, which is neutral and polar, with aspartic acid, which is acidic and polar, at codon 1504 of the NF1 protein (p.Asn1504Asp). This variant is not present in population databases (gnomAD no frequency). This variant has not been reported in the literature in individuals affected with NF1-related conditions. ClinVar contains an entry for this variant (Variation ID: 484017). Invitae Evidence Modeling of protein sequence and biophysical properties (such as structural, functional, and spatial information, amino acid conservation, physicochemical variation, residue mobility, and thermodynamic stability) has been performed for this missense variant. However, the output from this modeling did not meet the statistical confidence thresholds required to predict the impact of this variant on NF1 protein function. In summary, the available evidence is currently insufficient to determine the role of this variant in disease. Therefore, it has been classified as a Variant of Uncertain Significance.

Baylor Genetics
Classification: Uncertain significance for Juvenile myelomonocytic leukemia. Last evaluated: 2023-10-30. Review status: criteria provided, single submitter. Criteria: ACMG Guidelines, 2015. Collection method: clinical testing. Allele origin: unknown.

Genome-Nilou Lab
Classification: Uncertain significance for Neurofibromatosis, type 1. Last evaluated: 2022-03-15. Review status: criteria provided, single submitter. Criteria: ACMG Guidelines, 2015. Collection method: clinical testing. Allele origin: germline. Affected: no.

Ambry Genetics
Classification: Uncertain significance for Cardiovascular phenotype; Hereditary cancer-predisposing syndrome. Last evaluated: 2021-03-23. Review status: criteria provided, single submitter. Criteria: Ambry Variant Classification Scheme 2023. Collection method: clinical testing. Allele origin: germline.

Ambry Genetics
Classification: Uncertain significance for Hereditary cancer-predisposing syndrome. Last evaluated: 2016-02-08. Review status: criteria provided, single submitter. Criteria: Ambry Autosomal Dominant and X-Linked criteria (10/2015). Collection method: clinical testing. Allele origin: germline. Observed: 1 variant allele.
Comment: The p.N1525D variant (also known as c.4573A>G), located in coding exon 34 of the NF1 gene, results from an A to G substitution at nucleotide position 4573. The asparagine at codon 1525 is replaced by aspartic acid, an amino acid with highly similar properties. This variant was not reported in population based cohorts in the following databases: Database of Single Nucleotide Polymorphisms (dbSNP), NHLBI Exome Sequencing Project (ESP), and 1000 Genomes Project. In the ESP, this variant was not observed in 6503 samples (13006 alleles) with coverage at this position. To date, this alteration has been detected with an allele frequency of approximately 0.001% (greater than 110000alleles tested) in our clinical cohort.This amino acid position is highly conserved in available vertebrate species. In addition, the in silico prediction for this alteration is inconclusive.Since supporting evidence is limited at this time, the clinical significance of this alterationremains unclear.

NM_001042492.3(NF1):c.4573A>G (p.Asn1525Asp)

Gene: NF1 (neurofibromin 1; plus strand). Cytogenetic location: 17q11.2.
Variant type: single nucleotide variant.
Coding change: c.4573A>G on transcript NM_001042492.3 (MANE Select); coding-DNA position 4573, A replaced by G.
Protein change: p.Asn1525Asp; replaces asparagine 1525 with aspartic acid.
Molecular consequence: missense variant.
Genome position (GRCh38, 1-based): chr17:31,260,511, A>G. VCF-style: chr17-31260511-A-G. GRCh37 (hg19) VCF-style: chr17-29587529-A-G.
Other names: c.4510A>G, p.Asn1504Asp (NM_000267.4); short protein forms N1525D, N1504D.
Identifiers: ClinVar variation 484017 (VCV000484017.12), dbSNP rs1555618861, ClinGen allele CA398999965.